The following is an entry in ClinVar:

NM_001365951.3(KIF1B):c.2359-1G>C

Gene: KIF1B (kinesin family member 1B; plus strand). Cytogenetic location: 1p36.22.
Variant type: single nucleotide variant.
Coding change: c.2359-1G>C on transcript NM_001365951.3 (MANE Select); the canonical splice acceptor site of the intron before coding-DNA position 2359, G replaced by C.
Molecular consequence: splice acceptor variant.
Genome position (GRCh38, 1-based): chr1:10,323,883, G>C. VCF-style: chr1-10323883-G-C. GRCh37 (hg19) VCF-style: chr1-10383941-G-C.
Other names: c.2221-1G>C (NM_015074.3); c.2359-1G>C (NM_001365952.1).
Identifiers: ClinVar variation 3226389 (VCV003226389.1), dbSNP rs2521621940, ClinGen allele CA338334169.
Genomic context (GRCh38, chr1:10,323,883, plus strand): 5'-TCTCATCTCTGAAGCTTGCTTGCTGAAAACCATTTGTCAATGGTTTATTCTTTCTATTCA[G>C]GTGCAGTTTCAGTTTGTTCTGCTGACTGACACACTGTACTCCCCTTTGCCTCCTGAATTA-3'

ClinVar aggregate classification (germline): Uncertain significance (1 of 4 stars; one submission).

Submission:

Ambry Genetics
Classification: Uncertain significance. Last evaluated: 2023-11-21. Review status: criteria provided, single submitter. Criteria: Ambry Variant Classification Scheme 2023. Collection method: clinical testing. Allele origin: germline.
Comment: The c.2221-1G>C intronic variant results from a G to C substitution one nucleotide upstream from coding exon 22 of the KIF1B gene. This nucleotide position is highly conserved in available vertebrate species. In silico splice site analysis predicts that this alteration will weaken the native splice acceptor site and will result in the creation or strengthening of a novel splice acceptor site. Alterations that disrupt the canonical splice site are expected to cause aberrant splicing, resulting in an abnormal protein or a transcript that is subject to nonsense-mediated mRNA decay. The evidence for this gene-disease relationship is limited; therefore, the clinical significance of this alteration is unclear.